The following is an entry in ClinVar:

NM_183075.3(CYP2U1):c.60C>T (p.Leu20=)

Genes: CYP2U1 (cytochrome P450 family 2 subfamily U member 1; plus strand), CYP2U1-AS1 (CYP2U1 and SGMS2 antisense RNA 1; minus strand). Cytogenetic location: 4q25.
Variant type: single nucleotide variant.
Coding change: c.60C>T on transcript NM_183075.3 (MANE Select); coding-DNA position 60, C replaced by T.
Protein change: p.Leu20=; no amino-acid change (leucine 20 retained).
Molecular consequence: synonymous variant.
Genome position (GRCh38, 1-based): chr4:107,931,703, C>T. VCF-style: chr4-107931703-C-T. GRCh37 (hg19) VCF-style: chr4-108852859-C-T.
Other names: p.Leu20=.
Identifiers: ClinVar variation 695845 (VCV000695845.20), dbSNP rs535692203, ClinGen allele CA3036959.

ClinVar aggregate classification (germline): Conflicting classifications of pathogenicity. Review status: criteria provided, conflicting classifications (1 of 4 stars). 4 submissions from 4 submitters: Uncertain significance (1); Likely benign (3). Last evaluated 2025-11-01.

Conditions:
Hereditary spastic paraplegia. Also called: Familial spastic paraparesis. Identifiers: Orphanet 685, MedGen C0037773, MONDO:0019064. Disease mechanism: loss of function.
Spastic paraplegia. Identifiers: MedGen C0037772, HP:0001258.

Allele frequency attached by ClinVar (database versions not stated): ExAC below 0.00001; gnomAD exomes 0.00012; gnomAD 0.00160 and 0.00168; TOPMed 0.00186; 1000 Genomes Project 0.00220; 1000 Genomes Project 30x 0.00297.
gnomAD v4.1: 388 of 1,348,056 alleles (0.029%); highest among the groups gnomAD compares: African/African-American, 0.55%; 2 homozygotes.

Submissions (4):

CeGaT Center for Human Genetics Tuebingen
Classification: Likely benign. Last evaluated: 2025-11-01. Review status: criteria provided, single submitter. Criteria: CeGaT Center For Human Genetics Tuebingen Variant Classification Criteria Version 2. Collection method: clinical testing. Allele origin: germline. Affected: yes. Observed: 1 variant allele.
Comment: CYP2U1: BP4, BP7

Labcorp Genetics (formerly Invitae), Labcorp
Classification: Likely benign for Spastic paraplegia. Last evaluated: 2025-09-10. Review status: criteria provided, single submitter. Criteria: Invitae Variant Classification Sherloc (09022015). Collection method: clinical testing. Allele origin: germline.

Mayo Clinic Laboratories, Mayo Clinic
Classification: Likely benign. Last evaluated: 2025-01-29. Review status: criteria provided, single submitter. Criteria: ACMG Guidelines, 2015. Collection method: clinical testing. Allele origin: germline. Observed: 1 variant allele.
Comment: BS1, BP4, BP7

Genome Diagnostics Laboratory, The Hospital for Sick Children
Classification: Uncertain significance for Hereditary spastic paraplegia. Last evaluated: 2018-12-01. Review status: criteria provided, single submitter. Criteria: ACMG Guidelines, 2015. Collection method: clinical testing. Allele origin: germline. Affected: yes.